The following is an entry in ClinVar:

ClinVar aggregate classification (germline): Uncertain significance (1 of 4 stars; one submission).

gnomAD v4.1: 1 of 1,202,692 alleles (0.000083%); highest among the groups gnomAD compares: Non-Finnish European, 0.00011%; no homozygotes.

Submission:

GeneDx
Classification: Uncertain significance. Last evaluated: 2023-06-28. Review status: criteria provided, single submitter. Criteria: GeneDx Variant Classification Process June 2021. Collection method: clinical testing. Allele origin: germline. Affected: yes.
Comment: Not observed at significant frequency in large population cohorts (gnomAD); In silico analysis supports that this missense variant has a deleterious effect on protein structure/function; Has not been previously published as pathogenic or benign to our knowledge

NM_002025.4(AFF2):c.142T>C (p.Phe48Leu)

Gene: AFF2 (ALF transcription elongation factor 2; plus strand). Cytogenetic location: Xq28.
Variant type: single nucleotide variant.
Coding change: c.142T>C on transcript NM_002025.4 (MANE Select); coding-DNA position 142, T replaced by C.
Protein change: p.Phe48Leu; replaces phenylalanine 48 with leucine.
Molecular consequence: missense variant.
Genome position (GRCh38, 1-based): chrX:148,652,093, T>C. VCF-style: chrX-148652093-T-C. GRCh37 (hg19) VCF-style: chrX-147733614-T-C.
Other names: c.142T>C, p.Phe48Leu (NM_001169122.2, NM_001169123.2, NM_001169124.2 and 1 more transcripts); short protein forms F48L.
Identifiers: ClinVar variation 3360601 (VCV003360601.1).